The following is an entry in ClinVar:

NM_001282597.3(CTNNA2):c.1112A>C (p.Lys371Thr)

Gene: CTNNA2 (catenin alpha 2; plus strand). Cytogenetic location: 2p12.
Variant type: single nucleotide variant.
Coding change: c.1112A>C on transcript NM_001282597.3 (MANE Select); coding-DNA position 1112, A replaced by C.
Protein change: p.Lys371Thr; replaces lysine 371 with threonine.
Molecular consequence: missense variant.
Genome position (GRCh38, 1-based): chr2:80,393,266, A>C. VCF-style: chr2-80393266-A-C. GRCh37 (hg19) VCF-style: chr2-80620391-A-C.
Other names: c.1112A>C, p.Lys371Thr (NM_001164883.2, NM_001399737.1, NM_004389.4); c.1214A>C, p.Lys405Thr (NM_001282598.2); c.149A>C, p.Lys50Thr (NM_001282599.2); c.8A>C, p.Lys3Thr (NM_001282600.2, NM_001320810.2); short protein forms K371T, K3T, K405T, K50T.
Identifiers: ClinVar variation 2580461 (VCV002580461.1), dbSNP rs2466730057, ClinGen allele CA347509430.

ClinVar aggregate classification (germline): Uncertain significance (1 of 4 stars; one submission).

Submission:

GeneDx
Classification: Uncertain significance. Last evaluated: 2023-03-24. Review status: criteria provided, single submitter. Criteria: GeneDx Variant Classification Process June 2021. Collection method: clinical testing. Allele origin: germline. Affected: yes.
Comment: Not observed at significant frequency in large population cohorts (gnomAD); In silico analysis supports that this missense variant has a deleterious effect on protein structure/function; Has not been previously published as pathogenic or benign to our knowledge